The following is an entry in ClinVar:

NM_144668.6(CFAP251):c.1870G>A (p.Gly624Arg)

Gene: CFAP251 (cilia and flagella associated protein 251; plus strand). Cytogenetic location: 12q24.31.
Variant type: single nucleotide variant.
Coding change: c.1870G>A on transcript NM_144668.6 (MANE Select); coding-DNA position 1870, G replaced by A.
Protein change: p.Gly624Arg; replaces glycine 624 with arginine.
Molecular consequence: missense variant.
Genome position (GRCh38, 1-based): chr12:121,958,411, G>A. VCF-style: chr12-121958411-G-A. GRCh37 (hg19) VCF-style: chr12-122396317-G-A.
Other names: NC_000012.11:g.122396317G>A; c.1870G>A, p.Gly624Arg (NM_001178003.2); short protein forms G624R.
Identifiers: ClinVar variation 1049521 (VCV001049521.2), dbSNP rs79320015, ClinGen allele CA6840717.

ClinVar aggregate classification (germline): Uncertain significance (0 of 4 stars; one submission).

Allele frequency attached by ClinVar (database versions not stated): 1000 Genomes Project 30x 0.00031; gnomAD 0.00002 and 0.00001; gnomAD exomes 0.00003 and 0.00002; ExAC 0.00002; TOPMed 0.00001.

Submissions (2):

Department of Pathology and Laboratory Medicine, Sinai Health System
Classification: Uncertain significance. Review status: no assertion criteria provided. Collection method: clinical testing. Allele origin: unknown. Affected: yes. Study: The Canadian Open Genetics Repository (COGR).
Comment: The WDR66 p.Gly624Arg variant was not identified in the literature nor was it identified in ClinVar. The variant was identified in dbSNP (ID: rs79320015) and in control databases in 4 of 249580 chromosomes at a frequency of 0.00001603 (Genome Aggregation Database March 6, 2019, v2.1.1). The variant was observed in the following populations: East Asian in 2 of 17978 chromosomes (freq: 0.000111) and European (non-Finnish) in 2 of 113288 chromosomes (freq: 0.000018), but was not observed in the African, Latino, Ashkenazi Jewish, European (Finnish), Other, or South Asian populations. The p.Gly624 residue is conserved across mammals and other organisms, and computational analyses (PolyPhen-2, SIFT, AlignGVGD, BLOSUM, MutationTaster) suggest that the variant may impact the protein; however, this information is not predictive enough to assume pathogenicity. The variant occurs outside of the splicing consensus sequence and 4 of 4 in silico or computational prediction software programs (SpliceSiteFinder, MaxEntScan, NNSPLICE, GeneSplicer) predict a greater than 10% difference in splicing and the creation of a new 3' splice site. However, this has not been confirmed by RNA analysis and is not predictive enough to assume pathogenicity. In summary, based on the above information the clinical significance of this variant cannot be determined with certainty at this time. This variant is classified as a variant of uncertain significance.

Dr. Peter K. Rogan Lab, Western University
No classification provided (evidence only). Condition: Adrenocortical carcinoma, hereditary. Review status: no classification provided. Collection method: in vitro. Allele origin: not applicable. Functional consequence: retained intron. Not counted in ClinVar's aggregate classification.